The following is an entry in ClinVar:

ClinVar aggregate classification (germline): Pathogenic. Review status: reviewed by expert panel (3 of 4 stars). 3 submissions from 3 submitters: Pathogenic (1). 2 of the submissions do not count toward it. Last evaluated 2016-10-18.

Conditions:
Hereditary breast ovarian cancer syndrome. Also called: Hereditary breast and ovarian cancer syndrome (HBOC); Breast and ovarian cancer; Hereditary breast and ovarian cancer syndrome; Hereditary breast and ovarian cancer; BRCA1- and BRCA2-Associated Hereditary Breast and Ovarian Cancer; Hereditary breast and/or ovarian cancer syndrome. Identifiers: Orphanet 145, MedGen C0677776, MeSH D061325, MONDO:0003582. Disease mechanism: loss of function.
Breast-ovarian cancer, familial, susceptibility to, 1 (BROVCA1). Also called: BRCA1 Hereditary Breast and Ovarian Cancer; OVARIAN CANCER, SUSCEPTIBILITY TO. Identifiers: Orphanet 145, MedGen C2676676, MONDO:0011450, OMIM 604370. Disease mechanism: loss of function.

Submissions (3):

Evidence-based Network for the Interpretation of Germline Mutant Alleles (ENIGMA)
Classification: Pathogenic for Breast-ovarian cancer, familial, susceptibility to, 1. Last evaluated: 2016-10-18. Review status: reviewed by expert panel. Criteria: ENIGMA BRCA1/2 Classification Criteria (2015). Collection method: curation. Allele origin: germline.
Comment: Variant allele predicted to encode a truncated non-functional protein.

Laboratory for Molecular Medicine, Mass General Brigham Personalized Medicine
Classification: Pathogenic for Hereditary breast ovarian cancer syndrome. Last evaluated: 2017-01-11. Review status: criteria provided, single submitter. Criteria: LMM Criteria. Collection method: clinical testing. Allele origin: germline. Inheritance: Autosomal dominant inheritance. Observed: 1 variant allele. Not counted in ClinVar's aggregate classification.
Comment: The p.Asn941fs variant in BRCA1 has not been previously reported in individuals with hereditary breast and ovarian cancer (HBOC) and was absent from large popul ation studies. This variant is predicted to cause a frameshift, which alters the protein?s amino acid sequence beginning at position 941 and leads to a prematur e termination codon 59 amino acids downstream. This alteration is then predicted to lead to a truncated or absent protein. Heterozygous loss of function of the BRCA1 gene is an established disease mechanism in HBOC. In addition, this varian t was classified as Pathogenic on October 2, 2015 by the ClinGen-approved ENIGMA expert panel (ClinVar SCV000325471.3). In summary, this variant meets criteria to be classified as pathogenic for HBOC in an autosomal dominant manner.

Consortium of Investigators of Modifiers of BRCA1/2 (CIMBA), c/o University of Cambridge
Classification: Pathogenic for Breast-ovarian cancer, familial, susceptibility to, 1. Last evaluated: 2015-10-02. Review status: criteria provided, single submitter. Criteria: CIMBA Mutation Classification guidelines May 2016. Collection method: clinical testing. Allele origin: germline. Not counted in ClinVar's aggregate classification.

NM_007294.4(BRCA1):c.2823del (p.Asn941fs)

Gene: BRCA1 (BRCA1 DNA repair associated; minus strand). Cytogenetic location: 17q21.31.
Variant type: Deletion.
Coding change: c.2823del on transcript NM_007294.4 (MANE Select); coding-DNA position 2823, one base deleted (T; older notation c.2823delT).
Protein change: p.Asn941fs; shifts the reading frame from asparagine 941.
Molecular consequence: frameshift variant. On other transcripts: intron variant (137).
Genome position (GRCh38, 1-based): chr17:43,092,708, A deleted on the plus strand (T on the coding strand, the reverse complement: BRCA1 is on the minus strand). VCF-style (leftmost placement, unchanged base first): chr17-43092707-CA-C. GRCh37 (hg19) VCF-style: chr17-41244724-CA-C.
Other names: 2942delT; c.647-1676del (NM_001408457.1, NM_001408460.1, NM_001408454.1 and 11 more transcripts); c.521-1676del (NM_001408505.1, NM_001408504.1, NM_001408503.1); c.461-1676del (NM_001408507.1, NM_001408506.1); c.545-1676del (NM_001408495.1); c.662-1676del (NM_001408448.1, NM_001408445.1, NM_001408432.1 and 6 more transcripts); c.668-1676del (NM_001408421.1, NM_001408431.1, NM_001408424.1); c.785-1676del (NM_001407991.1, NM_001408407.1, NM_001408402.1 and 13 more transcripts); and 42 more; short protein forms N894fs, N941fs, N645fs, N773fs, N871fs, N873fs, N830fs, N853fs.
Identifiers: ClinVar variation 266306 (VCV000266306.10), dbSNP rs886040075, ClinGen allele CA10589810.